The following is an entry in ClinVar:

NM_001099289.3(SH3RF3):c.389G>T (p.Ser130Ile)

Genes: RANBP2 (RAN binding protein 2; plus strand), SH3RF3 (SH3 domain containing ring finger 3; plus strand), SH3RF3-AS1 (SH3RF3 antisense RNA 1; minus strand). Cytogenetic location: 2q13.
Variant type: single nucleotide variant.
Coding change: c.389G>T on transcript NM_001099289.3 (MANE Select); coding-DNA position 389, G replaced by T.
Protein change: p.Ser130Ile; replaces serine 130 with isoleucine.
Molecular consequence: missense variant. On other transcripts: non-coding transcript variant (1).
Genome position (GRCh38, 1-based): chr2:109,129,929, G>T. VCF-style: chr2-109129929-G-T. GRCh37 (hg19) VCF-style: chr2-109746385-G-T.
Other names: short protein forms S130I.
Identifiers: ClinVar variation 3161420 (VCV003161420.1), dbSNP rs914024688, ClinGen allele CA54035576.

ClinVar aggregate classification (germline): Uncertain significance (1 of 4 stars; one submission).

Allele frequency attached by ClinVar (database versions not stated): gnomAD 0.00001.
gnomAD v4.1: 87 of 1,484,672 alleles (0.0059%); highest among the groups gnomAD compares: Non-Finnish European, 0.0076%; no homozygotes.

Submission:

Ambry Genetics
Classification: Uncertain significance. Last evaluated: 2023-12-06. Review status: criteria provided, single submitter. Criteria: Ambry Variant Classification Scheme 2023. Collection method: clinical testing. Allele origin: germline.
Comment: The c.389G>T (p.S130I) alteration is located in exon (coding exon ) of the SH3RF3 gene. This alteration results from a G to T substitution at nucleotide position 389, causing the serine (S) at amino acid position 130 to be replaced by an isoleucine (I). Based on insufficient or conflicting evidence, the clinical significance of this alteration remains unclear.